The following is an entry in ClinVar:

ClinVar aggregate classification (germline): Uncertain significance. Review status: criteria provided, multiple submitters, no conflicts (2 of 4 stars). 2 submissions from 2 submitters: Uncertain significance (2). Last evaluated 2023-09-21.

Conditions:
Inborn genetic diseases. Identifiers: MedGen C0950123, MeSH D030342.

Allele frequency attached by ClinVar (database versions not stated): TOPMed 0.00002; gnomAD 0.00003 and 0.00004; gnomAD exomes 0.00003 and 0.00005; ExAC 0.00013; 1000 Genomes Project 0.00020; 1000 Genomes Project 30x 0.00031.
gnomAD v4.1: 46 of 1,566,048 alleles (0.0029%); highest among the groups gnomAD compares: South Asian, 0.0094%; no homozygotes.

Submissions (2):

Ambry Genetics
Classification: Uncertain significance for Inborn genetic diseases. Last evaluated: 2023-09-21. Review status: criteria provided, single submitter. Criteria: Ambry Variant Classification Scheme 2023. Collection method: clinical testing. Allele origin: germline.

Labcorp Genetics (formerly Invitae), Labcorp
Classification: Uncertain significance. Last evaluated: 2022-06-20. Review status: criteria provided, single submitter. Criteria: Invitae Variant Classification Sherloc (09022015). Collection method: clinical testing. Allele origin: germline.
Comment: This variant has not been reported in the literature in individuals affected with SPEG-related conditions. Algorithms developed to predict the effect of missense changes on protein structure and function are either unavailable or do not agree on the potential impact of this missense change (SIFT: "Deleterious"; PolyPhen-2: "Probably Damaging"; Align-GVGD: "Class C0"). In summary, the available evidence is currently insufficient to determine the role of this variant in disease. Therefore, it has been classified as a Variant of Uncertain Significance. The frequency data for this variant in the population databases is considered unreliable, as metrics indicate poor data quality at this position in the gnomAD database. This sequence change replaces arginine, which is basic and polar, with histidine, which is basic and polar, at codon 891 of the SPEG protein (p.Arg891His).

NM_005876.5(SPEG):c.2672G>A (p.Arg891His)

Gene: SPEG (striated muscle enriched protein kinase; plus strand). Cytogenetic location: 2q35.
Variant type: single nucleotide variant.
Coding change: c.2672G>A on transcript NM_005876.5 (MANE Select); coding-DNA position 2672, G replaced by A.
Protein change: p.Arg891His; replaces arginine 891 with histidine.
Molecular consequence: missense variant.
Genome position (GRCh38, 1-based): chr2:219,462,353, G>A. VCF-style: chr2-219462353-G-A. GRCh37 (hg19) VCF-style: chr2-220327075-G-A.
Other names: c.125G>A, p.Arg42His (NM_001173476.2); c.2672G>A (NM_005876.4); short protein forms R42H, R891H.
Identifiers: ClinVar variation 1524843 (VCV001524843.6), dbSNP rs547176817, ClinGen allele CA2125913.
Genomic context (GRCh38, chr2:219,462,353, plus strand): 5'-TTCAGGTCTCACTTATGGACCAGTCAGTAAGAGAAGGCCAAGATGTCATCATGAGCATCC[G>A]CGTGCAGGGGGAGCCCAAGCCTGTGGTCTCCTGGTGAGTAGCCGCACTTTCCACCACCCA-3'
Protein context (NP_005867.3, residues 881-901): REGQDVIMSI[Arg891His]VQGEPKPVVS